The following is an entry in ClinVar:

NM_198060.4(NRAP):c.3083G>A (p.Arg1028His)

Gene: NRAP (nebulin related anchoring protein; minus strand). Cytogenetic location: 10q25.3.
Variant type: single nucleotide variant.
Coding change: c.3083G>A on transcript NM_198060.4 (MANE Select); coding-DNA position 3083, G replaced by A.
Protein change: p.Arg1028His; replaces arginine 1028 with histidine.
Molecular consequence: missense variant.
Genome position (GRCh38, 1-based): chr10:113,614,942, C>T on the plus strand (G>A on the coding strand, the complement: NRAP is on the minus strand). VCF-style: chr10-113614942-C-T. GRCh37 (hg19) VCF-style: chr10-115374701-C-T.
Other names: c.3083G>A, p.Arg1028His (NM_001261463.2); c.2975G>A, p.Arg992His (NM_001322945.2); c.2978G>A, p.Arg993His (NM_006175.5); c.3083G>A (NM_001261463.1, NM_198060.3); short protein forms R1028H, R992H, R993H.
Identifiers: ClinVar variation 2227634 (VCV002227634.6), dbSNP rs200591335, ClinGen allele CA5694912.
Genomic context (GRCh38, chr10:113,614,942, plus strand): 5'-AGGGCATCCAACCTCAGTTTATAGCCACCATCTCGAAGTTTGCTCCAGGATTCCTTATAA[C>T]GCGTCTGTCGGGAAGATGTGCACAAGGAAAGACCTTTAAGTGACCTGGTGGTTTCCTAAA-3'
Protein context (NP_932326.2, residues 1018-1038): KLNAMNISET[Arg1028His]YKESWSKLRD

ClinVar aggregate classification (germline): Conflicting classifications of pathogenicity. Review status: criteria provided, conflicting classifications (1 of 4 stars). 4 submissions from 4 submitters: Uncertain significance (1); Likely benign (2). 1 of the submissions does not count toward it. Last evaluated 2025-07-24.

Conditions:
NRAP-related disorder. Also called: NRAP-related condition.
Inborn genetic diseases. Identifiers: MedGen C0950123, MeSH D030342.

Allele frequency attached by ClinVar (database versions not stated): ESP Exome Variant Server 0.00008; TOPMed 0.00025; gnomAD 0.00034; ExAC 0.00077; 1000 Genomes Project 30x 0.00156; 1000 Genomes Project 0.00180.
gnomAD v4.1: 641 of 1,584,846 alleles (0.04%); highest among the groups gnomAD compares: South Asian, 0.35%; 3 homozygotes.

Submissions (4):

Molecular Diagnostic Laboratory for Inherited Cardiovascular Disease, Montreal Heart Institute
Classification: Likely benign. Last evaluated: 2025-07-24. Review status: criteria provided, single submitter. Criteria: ACMG Guidelines, 2015. Collection method: clinical testing. Allele origin: germline. Affected: no.
Comment: BS1;BP4

Blueprint Genetics
Classification: Likely benign. Last evaluated: 2024-10-10. Review status: criteria provided, single submitter. Criteria: ACMG Guidelines, 2015. Collection method: clinical testing. Allele origin: germline.

Ambry Genetics
Classification: Uncertain significance for Inborn genetic diseases. Last evaluated: 2021-08-12. Review status: criteria provided, single submitter. Criteria: Ambry Variant Classification Scheme 2023. Collection method: clinical testing. Allele origin: germline.

PreventionGenetics, part of Exact Sciences
Classification: Likely benign for NRAP-related condition. Last evaluated: 2022-09-13. Review status: no assertion criteria provided. Collection method: clinical testing. Allele origin: germline. Not counted in ClinVar's aggregate classification.
Comment: This variant is classified as likely benign based on ACMG/AMP sequence variant interpretation guidelines (Richards et al. 2015 PMID: 25741868, with internal and published modifications).